The following is an entry in ClinVar:

ClinVar aggregate classification (germline): Uncertain significance (1 of 4 stars; one submission).

Conditions:
Cardiovascular phenotype. Identifiers: MedGen CN230736.

Submission:

Ambry Genetics
Classification: Uncertain significance for Cardiovascular phenotype. Last evaluated: 2024-09-30. Review status: criteria provided, single submitter. Criteria: Ambry Variant Classification Scheme 2023. Collection method: clinical testing. Allele origin: germline.
Comment: The p.A177T variant (also known as c.529G>A), located in coding exon 4 of the JAG1 gene, results from a G to A substitution at nucleotide position 529. The alanine at codon 177 is replaced by threonine, an amino acid with similar properties. This amino acid position is conserved. In addition, the in silico prediction for this alteration is inconclusive. Based on the available evidence, the clinical significance of this variant remains unclear.

NM_000214.3(JAG1):c.529G>A (p.Ala177Thr)

Gene: JAG1 (jagged canonical Notch ligand 1; minus strand). Cytogenetic location: 20p12.2.
Variant type: single nucleotide variant.
Coding change: c.529G>A on transcript NM_000214.3 (MANE Select); coding-DNA position 529, G replaced by A.
Protein change: p.Ala177Thr; replaces alanine 177 with threonine.
Molecular consequence: missense variant.
Genome position (GRCh38, 1-based): chr20:10,658,633, C>T on the plus strand (G>A on the coding strand, the complement: JAG1 is on the minus strand). VCF-style: chr20-10658633-C-T. GRCh37 (hg19) VCF-style: chr20-10639281-C-T.
Other names: short protein forms A177T.
Identifiers: ClinVar variation 3531170 (VCV003531170.1).